The following is an entry in ClinVar:

ClinVar aggregate classification (germline): Uncertain significance (1 of 4 stars; one submission).

Submission:

Labcorp Genetics (formerly Invitae), Labcorp
Classification: Uncertain significance. Last evaluated: 2022-01-27. Review status: criteria provided, single submitter. Criteria: Invitae Variant Classification Sherloc (09022015). Collection method: clinical testing. Allele origin: germline.
Comment: This variant has not been reported in the literature in individuals affected with FAT4-related conditions. In summary, the available evidence is currently insufficient to determine the role of this variant in disease. Therefore, it has been classified as a Variant of Uncertain Significance. Advanced modeling of protein sequence and biophysical properties (such as structural, functional, and spatial information, amino acid conservation, physicochemical variation, residue mobility, and thermodynamic stability) performed at Invitae indicates that this missense variant is not expected to disrupt FAT4 protein function. This variant is not present in population databases (gnomAD no frequency). This sequence change replaces serine, which is neutral and polar, with proline, which is neutral and non-polar, at codon 734 of the FAT4 protein (p.Ser734Pro).

NM_001291303.3(FAT4):c.2200T>C (p.Ser734Pro)

Gene: FAT4 (FAT atypical cadherin 4; plus strand). Cytogenetic location: 4q28.1.
Variant type: single nucleotide variant.
Coding change: c.2200T>C on transcript NM_001291303.3 (MANE Select); coding-DNA position 2200, T replaced by C.
Protein change: p.Ser734Pro; replaces serine 734 with proline.
Molecular consequence: missense variant.
Genome position (GRCh38, 1-based): chr4:125,318,611, T>C. VCF-style: chr4-125318611-T-C. GRCh37 (hg19) VCF-style: chr4-126239766-T-C.
Other names: c.2200T>C, p.Ser734Pro (NM_001291285.3, NM_024582.6); short protein forms S734P.
Identifiers: ClinVar variation 1393240 (VCV001393240.8), dbSNP rs2125941329, ClinGen allele CA358119819.